The following is an entry in ClinVar:

ClinVar aggregate classification (germline): Pathogenic (1 of 4 stars; one submission).

Conditions:
Familial adenomatous polyposis 1 (FAP1). Also called: POLYPOSIS, ADENOMATOUS INTESTINAL; FAMILIAL ADENOMATOUS POLYPOSIS 1, ATTENUATED. Identifiers: MedGen C2713442, MONDO:0021056, OMIM 175100. Disease mechanism: loss of function.

Submission:

Myriad Genetics, Inc.
Classification: Pathogenic for Familial adenomatous polyposis 1. Last evaluated: 2023-04-27. Review status: criteria provided, single submitter. Criteria: Myriad Autosomal Dominant, Autosomal Recessive and X-Linked Classification Criteria (2023). Collection method: clinical testing. Allele origin: unknown.
Comment: This variant is considered pathogenic. This variant creates a frameshift predicted to result in premature protein truncation.

NM_000038.6(APC):c.923dup (p.Thr310fs)

Gene: APC (APC regulator of Wnt signaling pathway; plus strand). Cytogenetic location: 5q22.2.
Variant type: Duplication.
Coding change: c.923dup on transcript NM_000038.6 (MANE Select); coding-DNA position 923, one base duplicated (T; older notation c.923dupT).
Protein change: p.Thr310fs; shifts the reading frame from threonine 310.
Molecular consequence: frameshift variant. On other transcripts: non-coding transcript variant (2).
Genome position (GRCh38, 1-based): chr5:112,815,583, T duplicated. VCF-style (leftmost placement, unchanged base first): chr5-112815582-C-CT. GRCh37 (hg19) VCF-style: chr5-112151279-C-CT.
Other names: c.923dup, p.Thr310fs (NM_001127510.3, NM_001354895.2, NM_001354896.2 and 12 more transcripts); c.869dup, p.Thr292fs (NM_001127511.3); c.953dup, p.Thr320fs (NM_001354897.2, NM_001354902.2, NM_001407446.1); c.848dup, p.Thr285fs (NM_001354898.2, NM_001354904.2, NM_001407451.1); c.839dup, p.Thr282fs (NM_001354899.2, NM_001407452.1, NM_001407467.1 and 1 more transcripts); c.746dup, p.Thr251fs (NM_001354900.2, NM_001354901.2, NM_001354905.2 and 1 more transcripts); c.74dup, p.Thr27fs (NM_001354906.2, NM_001407470.1, NM_001407471.1 and 1 more transcripts); short protein forms T251fs, T27fs, T282fs, T285fs, T292fs, T310fs, T320fs.
Identifiers: ClinVar variation 2583536 (VCV002583536.1), dbSNP rs2532972942, ClinGen allele CA2582341296.